The following is an entry in ClinVar:

NM_001733.7(C1R):c.88A>T (p.Thr30Ser)

Gene: C1R (complement C1r; minus strand). Cytogenetic location: 12p13.31.
Variant type: single nucleotide variant.
Coding change: c.88A>T on transcript NM_001733.7 (MANE Select); coding-DNA position 88, A replaced by T.
Protein change: p.Thr30Ser; replaces threonine 30 with serine.
Molecular consequence: missense variant.
Genome position (GRCh38, 1-based): chr12:7,091,595, T>A on the plus strand (A>T on the coding strand, the complement: C1R is on the minus strand). VCF-style: chr12-7091595-T-A. GRCh37 (hg19) VCF-style: chr12-7244191-T-A.
Other names: c.130A>T, p.Thr44Ser (NM_001354346.2); short protein forms T30S, T44S.
Identifiers: ClinVar variation 2642663 (VCV002642663.24), dbSNP rs2539631020, ClinGen allele CA383730209.

ClinVar aggregate classification (germline): Uncertain significance (1 of 4 stars; one submission).

Submission:

CeGaT Center for Human Genetics Tuebingen
Classification: Uncertain significance. Last evaluated: 2023-05-01. Review status: criteria provided, single submitter. Criteria: CeGaT Center For Human Genetics Tuebingen Variant Classification Criteria Version 2. Collection method: clinical testing. Allele origin: germline. Affected: yes. Observed: 1 variant allele.
Comment: C1R: PM2, BP4